The following is an entry in ClinVar:

ClinVar aggregate classification (germline): Likely pathogenic (1 of 4 stars; one submission).

Conditions:
Tay-Sachs disease (TSD). Also called: GM2 gangliosidosis, type 1; Hexosaminidase alpha-subunit deficiency (variant B); Sphingolipidosis, Tay-Sachs; Hexosaminidase A Deficiency; HEXA DEFICIENCY; HEXA Disorders. Identifiers: Orphanet 845, MedGen C0039373, MONDO:0010100, OMIM 272800.

Submission:

Myriad Genetics, Inc.
Classification: Likely pathogenic for Tay-Sachs disease. Last evaluated: 2022-01-24. Review status: criteria provided, single submitter. Criteria: Myriad Women's Health Autosomal Recessive and X-Linked Classification Criteria (2021). Collection method: clinical testing. Allele origin: unknown.
Comment: NM_000520.4(HEXA):c.766G>T(E256*) is expected to be pathogenic in the context of hexosaminidase A deficiency. This variant is predicted to lead to an abnormal or absent protein product due to the creation of a premature termination codon in HEXA, a gene where loss-of-function variants are known to be pathogenic. Please note: this variant was assessed in the context of healthy population screening.

NM_000520.6(HEXA):c.766G>T (p.Glu256Ter)

Gene: HEXA (hexosaminidase subunit alpha; minus strand). Cytogenetic location: 15q23.
Variant type: single nucleotide variant.
Coding change: c.766G>T on transcript NM_000520.6 (MANE Select); coding-DNA position 766, G replaced by T.
Protein change: p.Glu256Ter; replaces glutamic acid 256 with a stop codon.
Molecular consequence: nonsense. On other transcripts: non-coding transcript variant (1).
Genome position (GRCh38, 1-based): chr15:72,350,557, C>A on the plus strand (G>T on the coding strand, the complement: HEXA is on the minus strand). VCF-style: chr15-72350557-C-A. GRCh37 (hg19) VCF-style: chr15-72642898-C-A.
Other names: c.799G>T, p.Glu267Ter (NM_001318825.2); short protein forms E256*, E267*.
Identifiers: ClinVar variation 1724057 (VCV001724057.2), dbSNP rs2542526335, ClinGen allele CA393063067.
Genomic context (GRCh38, chr15:72,350,557, plus strand): 5'-GGTCCCAGACATCATTCTTACCTGGTCCCCAGGACAAAGTGTGGCCAGGAGTGTCAAACT[C>A]TGCAAGCACACGGATACCCCGGAGCCGTGCGTATTCAATGACCTCCTTCACATCCTGTGC-3'